The following is an entry in ClinVar:

ClinVar aggregate classification (germline): Uncertain significance (1 of 4 stars; one submission).

Submission:

Labcorp Genetics (formerly Invitae), Labcorp
Classification: Uncertain significance. Last evaluated: 2023-08-22. Review status: criteria provided, single submitter. Criteria: Invitae Variant Classification Sherloc (09022015). Collection method: clinical testing. Allele origin: germline.
Comment: This sequence change replaces glycine, which is neutral and non-polar, with arginine, which is basic and polar, at codon 658 of the RNF43 protein (p.Gly658Arg). This variant is not present in population databases (gnomAD no frequency). This variant has not been reported in the literature in individuals affected with RNF43-related conditions. An algorithm developed to predict the effect of missense changes on protein structure and function (PolyPhen-2) suggests that this variant is likely to be disruptive. In summary, the available evidence is currently insufficient to determine the role of this variant in disease. Therefore, it has been classified as a Variant of Uncertain Significance.

NM_017763.6(RNF43):c.1972G>A (p.Gly658Arg)

Gene: RNF43 (ring finger protein 43; minus strand). Cytogenetic location: 17q22.
Variant type: single nucleotide variant.
Coding change: c.1972G>A on transcript NM_017763.6 (MANE Select); coding-DNA position 1972, G replaced by A.
Protein change: p.Gly658Arg; replaces glycine 658 with arginine.
Molecular consequence: missense variant.
Genome position (GRCh38, 1-based): chr17:58,357,804, C>T on the plus strand (G>A on the coding strand, the complement: RNF43 is on the minus strand). VCF-style: chr17-58357804-C-T. GRCh37 (hg19) VCF-style: chr17-56435165-C-T.
Other names: c.1972G>A, p.Gly658Arg (NM_001305544.3); c.1591G>A, p.Gly531Arg (NM_001305545.2); short protein forms G531R, G658R.
Identifiers: ClinVar variation 2754283 (VCV002754283.3), dbSNP rs2143394546, ClinGen allele CA400386724.
Genomic context (GRCh38, chr17:58,357,804, plus strand): 5'-AAGCTGGGTGCACAGTTGCATCCTGGGGCCGAGAGCCAGGGGTGGGCTCGGAGGGACCCC[C>T]CCGCCTTTTCCTCTGTGGGTGTCGGGCAGAGAGGCTGGATTTTTGCAAGTTGAACAGACT-3'
Protein context (NP_060233.3, residues 648-668): SARHPQRKRR[Gly658Arg]GPSEPTPGSR